The following is an entry in ClinVar:

NM_021098.3(CACNA1H):c.6791C>T (p.Pro2264Leu)

Gene: CACNA1H (calcium voltage-gated channel subunit alpha1 H; plus strand). Cytogenetic location: 16p13.3.
Variant type: single nucleotide variant.
Coding change: c.6791C>T on transcript NM_021098.3 (MANE Select); coding-DNA position 6791, C replaced by T.
Protein change: p.Pro2264Leu; replaces proline 2264 with leucine.
Molecular consequence: missense variant.
Genome position (GRCh38, 1-based): chr16:1,220,723, C>T. VCF-style: chr16-1220723-C-T. GRCh37 (hg19) VCF-style: chr16-1270723-C-T.
Other names: c.6773C>T, p.Pro2258Leu (NM_001005407.2); short protein forms P2258L, P2264L.
Identifiers: ClinVar variation 3754236 (VCV003754236.2).

ClinVar aggregate classification (germline): Uncertain significance (1 of 4 stars; one submission).

Conditions:
Hyperaldosteronism, familial, type IV (HALD4). Also called: FH IV; ALDOSTERONISM, PRIMARY, AND HYPERTENSION. Identifiers: Orphanet 642671, MedGen C4310756, MONDO:0014875, OMIM 617027.
Idiopathic generalized epilepsy. Also called: EIG; Generalised epilepsy. Identifiers: MedGen C0270850, MONDO:0005579, OMIM 600669.

Submission:

Labcorp Genetics (formerly Invitae), Labcorp
Classification: Uncertain significance for Idiopathic generalized epilepsy; Hyperaldosteronism, familial, type IV. Last evaluated: 2024-02-08. Review status: criteria provided, single submitter. Criteria: Invitae Variant Classification Sherloc (09022015). Collection method: clinical testing. Allele origin: germline.
Comment: This sequence change replaces proline, which is neutral and non-polar, with leucine, which is neutral and non-polar, at codon 2264 of the CACNA1H protein (p.Pro2264Leu). This variant is not present in population databases (gnomAD no frequency). This variant has not been reported in the literature in individuals affected with CACNA1H-related conditions. Advanced modeling of protein sequence and biophysical properties (such as structural, functional, and spatial information, amino acid conservation, physicochemical variation, residue mobility, and thermodynamic stability) performed at Invitae indicates that this missense variant is not expected to disrupt CACNA1H protein function with a negative predictive value of 95%. In summary, the available evidence is currently insufficient to determine the role of this variant in disease. Therefore, it has been classified as a Variant of Uncertain Significance.